The following is an entry in ClinVar:

ClinVar aggregate classification (germline): Likely benign. Review status: criteria provided, multiple submitters, no conflicts (2 of 4 stars). 2 submissions from 2 submitters: Likely benign (2). Last evaluated 2025-12-31.

Conditions:
Glycogen storage disease IXa1. Also called: LIVER GLYCOGENOSIS, X-LINKED, TYPE I; GLYCOGEN STORAGE DISEASE VIII; GSD VIII; Glycogen storage disease 8. Identifiers: Orphanet 264580, MedGen C3694531, MONDO:0010598, OMIM 306000.

Allele frequency attached by ClinVar (database versions not stated): ExAC 0.00001; gnomAD 0.00001; TOPMed 0.00002; gnomAD exomes 0.00012.
gnomAD v4.1: 130 of 1,208,996 alleles (0.011%); highest among the groups gnomAD compares: Non-Finnish European, 0.014%; no homozygotes.

Submissions (2):

Labcorp Genetics (formerly Invitae), Labcorp
Classification: Likely benign for Glycogen storage disease IXa1. Last evaluated: 2025-12-31. Review status: criteria provided, single submitter. Criteria: Invitae Variant Classification Sherloc (09022015). Collection method: clinical testing. Allele origin: germline.

CeGaT Center for Human Genetics Tuebingen
Classification: Likely benign. Last evaluated: 2023-08-01. Review status: criteria provided, single submitter. Criteria: CeGaT Center For Human Genetics Tuebingen Variant Classification Criteria Version 2. Collection method: clinical testing. Allele origin: germline. Affected: yes. Observed: 1 variant allele.
Comment: PHKA2: BP4

NM_000292.3(PHKA2):c.681G>C (p.Val227=)

Gene: PHKA2 (phosphorylase kinase regulatory subunit alpha 2; minus strand). Cytogenetic location: Xp22.13.
Variant type: single nucleotide variant.
Coding change: c.681G>C on transcript NM_000292.3 (MANE Select); coding-DNA position 681, G replaced by C.
Protein change: p.Val227=; no amino-acid change (valine 227 retained).
Molecular consequence: synonymous variant.
Genome position (GRCh38, 1-based): chrX:18,943,746, C>G on the plus strand (G>C on the coding strand, the complement: PHKA2 is on the minus strand). VCF-style: chrX-18943746-C-G. GRCh37 (hg19) VCF-style: chrX-18961864-C-G.
Identifiers: ClinVar variation 2660116 (VCV002660116.25), dbSNP rs762832828, ClinGen allele CA10362070.